The following is an entry in ClinVar:

NM_007215.4(POLG2):c.690-48A>C

Genes: MILR1 (mast cell immunoglobulin like receptor 1; plus strand), POLG2 (DNA polymerase gamma 2, accessory subunit; minus strand). Cytogenetic location: 17q23.3.
Variant type: single nucleotide variant.
Coding change: c.690-48A>C on transcript NM_007215.4 (MANE Select); 48 bases into the intron before coding-DNA position 690, A replaced by C.
Molecular consequence: intron variant.
Genome position (GRCh38, 1-based): chr17:64,492,820, T>G on the plus strand (A>C on the coding strand, the complement: POLG2 is on the minus strand). VCF-style: chr17-64492820-T-G. GRCh37 (hg19) VCF-style: chr17-62488937-T-G.
Identifiers: ClinVar variation 5009148 (VCV005009148.1).

ClinVar aggregate classification (germline): Uncertain significance (1 of 4 stars; one submission).

Submission:

GeneDx
Classification: Uncertain significance. Last evaluated: 2026-03-13. Review status: criteria provided, single submitter. Criteria: GeneDx Variant Classification Process June 2021. Collection method: clinical testing. Allele origin: germline.
Comment: Not observed at significant frequency in large population cohorts (gnomAD); Has not been previously published as pathogenic or benign to our knowledge; In silico analysis suggests this variant may impact gene splicing. In the absence of RNA/functional studies, the actual effect of this sequence change is unknown.